The following is an entry in ClinVar:

ClinVar aggregate classification (germline): Conflicting classifications of pathogenicity. Review status: criteria provided, conflicting classifications (1 of 4 stars). 3 submissions from 3 submitters: Uncertain significance (2); Likely benign (1). Last evaluated 2025-08-26.

Conditions:
Hereditary breast ovarian cancer syndrome. Also called: Hereditary breast and ovarian cancer syndrome (HBOC); Hereditary breast and ovarian cancer syndrome; Breast and ovarian cancer; BRCA1- and BRCA2-Associated Hereditary Breast and Ovarian Cancer; Hereditary breast and ovarian cancer; Hereditary breast and/or ovarian cancer syndrome. Identifiers: Orphanet 145, MedGen C0677776, MeSH D061325, MONDO:0003582. Disease mechanism: loss of function.
Hereditary cancer-predisposing syndrome. Also called: Neoplastic Syndromes, Hereditary; Hereditary Cancer Syndrome; Hereditary neoplastic syndrome; Tumor predisposition. Identifiers: Orphanet 140162, MedGen C0027672, MeSH D009386, MONDO:0015356.

Allele frequency attached by ClinVar (database versions not stated): gnomAD exomes below 0.00001.
gnomAD v4.1: 1 of 1,613,724 alleles (0.000062%); highest among the groups gnomAD compares: South Asian, 0.0011%; no homozygotes.

Submissions (3):

Ambry Genetics
Classification: Likely benign for Hereditary cancer-predisposing syndrome. Last evaluated: 2025-08-26. Review status: criteria provided, single submitter. Criteria: Ambry Variant Classification Scheme 2023. Collection method: clinical testing. Allele origin: germline.

Color Diagnostics, LLC DBA Color Health
Classification: Uncertain significance for Hereditary cancer-predisposing syndrome. Last evaluated: 2025-01-14. Review status: criteria provided, single submitter. Criteria: ACMG Guidelines, 2015. Collection method: clinical testing. Allele origin: germline.
Comment: This missense variant replaces valine with glutamic acid at codon 2468 of the BRCA2 protein. Computational prediction suggests that this variant may not impact protein structure and function. To our knowledge, functional studies have not been reported for this variant. A multifactorial analysis has reported a likelihood ratio for pathogenicity based on personal and family history of 0.886 from log(LR)=-0.05246013 for one carrier (PMID: 31853058). This variant has not been identified in the general population by the Genome Aggregation Database (gnomAD). The available evidence is insufficient to determine the role of this variant in disease conclusively. Therefore, this variant is classified as a Variant of Uncertain Significance.

Labcorp Genetics (formerly Invitae), Labcorp
Classification: Uncertain significance for Hereditary breast ovarian cancer syndrome. Last evaluated: 2022-06-01. Review status: criteria provided, single submitter. Criteria: Invitae Variant Classification Sherloc (09022015). Collection method: clinical testing. Allele origin: germline.
Comment: Advanced modeling of protein sequence and biophysical properties (such as structural, functional, and spatial information, amino acid conservation, physicochemical variation, residue mobility, and thermodynamic stability) performed at Invitae indicates that this missense variant is not expected to disrupt BRCA2 protein function. In summary, the available evidence is currently insufficient to determine the role of this variant in disease. Therefore, it has been classified as a Variant of Uncertain Significance. This sequence change replaces valine, which is neutral and non-polar, with glutamic acid, which is acidic and polar, at codon 2468 of the BRCA2 protein (p.Val2468Glu). This variant is not present in population databases (gnomAD no frequency). This variant has not been reported in the literature in individuals affected with BRCA2-related conditions. ClinVar contains an entry for this variant (Variation ID: 479373).

Literature cited by the submitters: PubMed 31853058 (cited by Color Diagnostics, LLC DBA Color Health).

NM_000059.4(BRCA2):c.7403T>A (p.Val2468Glu)

Gene: BRCA2 (BRCA2 DNA repair associated; plus strand). Cytogenetic location: 13q13.1.
Variant type: single nucleotide variant.
Coding change: c.7403T>A on transcript NM_000059.4 (MANE Select); coding-DNA position 7403, T replaced by A.
Protein change: p.Val2468Glu; replaces valine 2468 with glutamic acid.
Molecular consequence: missense variant.
Genome position (GRCh38, 1-based): chr13:32,355,256, T>A. VCF-style: chr13-32355256-T-A. GRCh37 (hg19) VCF-style: chr13-32929393-T-A.
Other names: short protein forms V2468E.
Identifiers: ClinVar variation 479373 (VCV000479373.12), dbSNP rs1237865460, ClinGen allele CA387741846.